The following is an entry in ClinVar:

ClinVar aggregate classification (germline): Conflicting classifications of pathogenicity. Review status: criteria provided, conflicting classifications (1 of 4 stars). 3 submissions from 3 submitters: Uncertain significance (2); Likely benign (1). Last evaluated 2025-03-31.

Conditions:
Hyperplastic polyposis syndrome. Identifiers: Orphanet 157798, MedGen C4296896, MONDO:0015524.

Allele frequency attached by ClinVar (database versions not stated): TOPMed below 0.00001; gnomAD 0.00001 and 0.00002; gnomAD exomes 0.00002 and 0.00005; ExAC 0.00004.
gnomAD v4.1: 31 of 1,605,234 alleles (0.0019%); highest among the groups gnomAD compares: South Asian, 0.025%; no homozygotes.

Submissions (3):

Labcorp Genetics (formerly Invitae), Labcorp
Classification: Uncertain significance. Last evaluated: 2025-03-31. Review status: criteria provided, single submitter. Criteria: Invitae Variant Classification Sherloc (09022015). Collection method: clinical testing. Allele origin: germline.
Comment: This sequence change replaces arginine, which is basic and polar, with histidine, which is basic and polar, at codon 404 of the RNF43 protein (p.Arg404His). This variant is present in population databases (rs759290047, gnomAD 0.03%). This variant has not been reported in the literature in individuals affected with RNF43-related conditions. ClinVar contains an entry for this variant (Variation ID: 953189). An algorithm developed to predict the effect of missense changes on protein structure and function outputs the following: PolyPhen-2: "Benign". The histidine amino acid residue is found in multiple mammalian species, which suggests that this missense change does not adversely affect protein function. In summary, the available evidence is currently insufficient to determine the role of this variant in disease. Therefore, it has been classified as a Variant of Uncertain Significance.

Ambry Genetics
Classification: Likely benign. Last evaluated: 2025-01-22. Review status: criteria provided, single submitter. Criteria: Ambry Variant Classification Scheme 2023. Collection method: clinical testing. Allele origin: germline.

Department of Pathology and Laboratory Medicine, Sinai Health System
Classification: Uncertain significance for Hyperplastic polyposis syndrome. Last evaluated: 2021-11-19. Review status: criteria provided, single submitter. Criteria: ACMG Guidelines, 2015. Collection method: clinical testing. Allele origin: germline. Affected: yes.

NM_017763.6(RNF43):c.1211G>A (p.Arg404His)

Gene: RNF43 (ring finger protein 43; minus strand). Cytogenetic location: 17q22.
Variant type: single nucleotide variant.
Coding change: c.1211G>A on transcript NM_017763.6 (MANE Select); coding-DNA position 1211, G replaced by A.
Protein change: p.Arg404His; replaces arginine 404 with histidine.
Molecular consequence: missense variant.
Genome position (GRCh38, 1-based): chr17:58,358,565, C>T on the plus strand (G>A on the coding strand, the complement: RNF43 is on the minus strand). VCF-style: chr17-58358565-C-T. GRCh37 (hg19) VCF-style: chr17-56435926-C-T.
Other names: c.1211G>A, p.Arg404His (NM_001305544.3); c.830G>A, p.Arg277His (NM_001305545.2); short protein forms R277H, R404H.
Identifiers: ClinVar variation 953189 (VCV000953189.8), dbSNP rs759290047, ClinGen allele CA8673214.